The following is an entry in ClinVar:

ClinVar aggregate classification (germline): Uncertain significance. Review status: criteria provided, multiple submitters, no conflicts (2 of 4 stars). 3 submissions from 3 submitters: Uncertain significance (3). Last evaluated 2026-04-27.

Conditions:
Chédiak-Higashi syndrome (CHS). Also called: Chediak-Higashi Syndrome. Identifiers: Orphanet 167, MedGen C0007965, MONDO:0008963, OMIM 214500.

gnomAD v4.1: 20 of 1,613,860 alleles (0.0012%); highest among the groups gnomAD compares: South Asian, 0.02%; no homozygotes.

Submissions (3):

Women's Health and Genetics/Laboratory Corporation of America, LabCorp
Classification: Uncertain significance. Last evaluated: 2026-04-27. Review status: criteria provided, single submitter. Criteria: LabCorp Variant Classification Summary - May 2015. Collection method: clinical testing. Allele origin: germline.
Comment: Variant summary: LYST c.8818C>T (p.Pro2940Ser) results in a non-conservative amino acid change in the encoded protein sequence. Algorithms developed to predict the effect of missense changes on protein structure and function are either unavailable or do not agree on the potential impact of this missense change. The variant allele was found at a frequency of 1.2e-05 in 251404 control chromosomes. The available data on variant occurrences in the general population are insufficient to allow any conclusion about variant significance. To our knowledge, no occurrence of c.8818C>T in individuals affected with LYST-related conditions and no experimental evidence demonstrating its impact on protein function have been reported. ClinVar contains an entry for this variant (Variation ID: 1308393). Based on the evidence outlined above, the variant was classified as uncertain significance.

Labcorp Genetics (formerly Invitae), Labcorp
Classification: Uncertain significance for Chédiak-Higashi syndrome. Last evaluated: 2022-09-13. Review status: criteria provided, single submitter. Criteria: Invitae Variant Classification Sherloc (09022015). Collection method: clinical testing. Allele origin: germline.
Comment: This sequence change replaces proline, which is neutral and non-polar, with serine, which is neutral and polar, at codon 2940 of the LYST protein (p.Pro2940Ser). This variant is present in population databases (rs375839384, gnomAD 0.006%). This variant has not been reported in the literature in individuals affected with LYST-related conditions. ClinVar contains an entry for this variant (Variation ID: 1308393). Advanced modeling of protein sequence and biophysical properties (such as structural, functional, and spatial information, amino acid conservation, physicochemical variation, residue mobility, and thermodynamic stability) performed at Invitae indicates that this missense variant is not expected to disrupt LYST protein function. In summary, the available evidence is currently insufficient to determine the role of this variant in disease. Therefore, it has been classified as a Variant of Uncertain Significance.

GeneDx
Classification: Uncertain significance. Last evaluated: 2019-04-04. Review status: criteria provided, single submitter. Criteria: GeneDx Variant Classification Process June 2021. Collection method: clinical testing. Allele origin: germline. Affected: yes.
Comment: Not observed at a significant frequency in large population cohorts (Lek et al., 2016); In silico analysis, which includes protein predictors and evolutionary conservation, supports a deleterious effect; Has not been previously published as pathogenic or benign to our knowledge

NM_000081.4(LYST):c.8818C>T (p.Pro2940Ser)

Gene: LYST (lysosomal trafficking regulator; minus strand). Cytogenetic location: 1q42.3.
Variant type: single nucleotide variant.
Coding change: c.8818C>T on transcript NM_000081.4 (MANE Select); coding-DNA position 8818, C replaced by T.
Protein change: p.Pro2940Ser; replaces proline 2940 with serine.
Molecular consequence: missense variant.
Genome position (GRCh38, 1-based): chr1:235,731,161, G>A on the plus strand (C>T on the coding strand, the complement: LYST is on the minus strand). VCF-style: chr1-235731161-G-A. GRCh37 (hg19) VCF-style: chr1-235894461-G-A.
Other names: c.8818C>T, p.Pro2940Ser (NM_001301365.1); short protein forms P2940S.
Identifiers: ClinVar variation 1308393 (VCV001308393.7), dbSNP rs375839384, ClinGen allele CA1465748.